The following is an entry in ClinVar:

NM_000214.3(JAG1):c.845G>A (p.Cys282Tyr)

Gene: JAG1 (jagged canonical Notch ligand 1; minus strand). Cytogenetic location: 20p12.2.
Variant type: single nucleotide variant.
Coding change: c.845G>A on transcript NM_000214.3 (MANE Select); coding-DNA position 845, G replaced by A.
Protein change: p.Cys282Tyr; replaces cysteine 282 with tyrosine.
Molecular consequence: missense variant.
Genome position (GRCh38, 1-based): chr20:10,652,509, C>T on the plus strand (G>A on the coding strand, the complement: JAG1 is on the minus strand). VCF-style: chr20-10652509-C-T. GRCh37 (hg19) VCF-style: chr20-10633157-C-T.
Other names: short protein forms C282Y.
Identifiers: ClinVar variation 3573132 (VCV003573132.2).

Conditions:
Arteriohepatic dysplasia. Also called: Alagille Syndrome. Identifiers: Orphanet 52, MedGen C0085280, MeSH D016738, MONDO:0007318.

Submission:

Gilbert/Spinner Lab, Children's Hospital of Philadelphia
No classification provided (evidence only). Condition: Alagille syndrome. Review status: no classification provided. Collection method: research. Allele origin: not applicable. Functional consequence: functionally_abnormal.
ClinVar note: "not provided" was previously submitted as the classification for the variant. However, the classification appeared to be based only on an observation of functional data so it was converted to no classification on 2025-07-30.